The following is an entry in ClinVar:

NM_007294.4(BRCA1):c.4243G>T (p.Glu1415Ter)

Gene: BRCA1 (BRCA1 DNA repair associated; minus strand). Cytogenetic location: 17q21.31.
Variant type: single nucleotide variant.
Coding change: c.4243G>T on transcript NM_007294.4 (MANE Select); coding-DNA position 4243, G replaced by T.
Protein change: p.Glu1415Ter; replaces glutamic acid 1415 with a stop codon.
Molecular consequence: nonsense. On other transcripts: non-coding transcript variant (1).
Genome position (GRCh38, 1-based): chr17:43,082,518, C>A on the plus strand (G>T on the coding strand, the complement: BRCA1 is on the minus strand). VCF-style: chr17-43082518-C-A. GRCh37 (hg19) VCF-style: chr17-41234535-C-A.
Other names: c.4030G>T, p.Glu1344Ter (NM_001407571.1, NM_001407853.1, NM_001407894.1 and 12 more transcripts); c.4243G>T, p.Glu1415Ter (NM_001407581.1, NM_001407582.1, NM_001407583.1 and 23 more transcripts); c.4240G>T, p.Glu1414Ter (NM_001407587.1, NM_001407590.1, NM_001407591.1 and 21 more transcripts); c.4237G>T, p.Glu1413Ter (NM_001407644.1, NM_001407645.1, NM_001407627.1 and 5 more transcripts); c.4165G>T, p.Glu1389Ter (NM_001407657.1, NM_001407658.1, NM_001407653.1 and 2 more transcripts); c.4159G>T, p.Glu1387Ter (NM_001407659.1, NM_001407660.1); c.4162G>T, p.Glu1388Ter (NM_001407661.1, NM_001407662.1, NM_001407663.1 and 1 more transcripts); c.4120G>T, p.Glu1374Ter (NM_001407664.1, NM_001407665.1, NM_001407677.1 and 13 more transcripts); and 51 more; short protein forms E1415*, E1368*, E312*, E1246*, E1287*, E1326*, E1343*, E1367*.
Identifiers: ClinVar variation 375546 (VCV000375546.3), dbSNP rs1057519558, ClinGen allele CA10593235.

ClinVar aggregate classification (germline): Pathogenic. Review status: reviewed by expert panel (3 of 4 stars). 2 submissions from 2 submitters: Pathogenic (1). 1 of the submissions does not count toward it. Last evaluated 2017-12-15.

Conditions:
Breast-ovarian cancer, familial, susceptibility to, 1 (BROVCA1). Also called: BRCA1 Hereditary Breast and Ovarian Cancer; OVARIAN CANCER, SUSCEPTIBILITY TO. Identifiers: Orphanet 145, MedGen C2676676, MONDO:0011450, OMIM 604370. Disease mechanism: loss of function.
Hereditary breast ovarian cancer syndrome. Also called: Hereditary breast and ovarian cancer syndrome; Breast and ovarian cancer; Hereditary breast and ovarian cancer syndrome (HBOC); Hereditary breast and/or ovarian cancer syndrome; BRCA1- and BRCA2-Associated Hereditary Breast and Ovarian Cancer; Hereditary breast and ovarian cancer. Identifiers: Orphanet 145, MedGen C0677776, MeSH D061325, MONDO:0003582. Disease mechanism: loss of function.

Submissions (2):

Evidence-based Network for the Interpretation of Germline Mutant Alleles (ENIGMA)
Classification: Pathogenic for Breast-ovarian cancer, familial, susceptibility to, 1. Last evaluated: 2017-12-15. Review status: reviewed by expert panel. Criteria: ENIGMA BRCA1/2 Classification Criteria (2017-06-29). Collection method: curation. Allele origin: germline. Study: ENIGMA.
Comment: Variant allele predicted to encode a truncated non-functional protein.

Veritas Genetics
Classification: Likely pathogenic for Hereditary breast ovarian cancer syndrome. Last evaluated: 2016-06-28. Review status: no assertion criteria provided. Collection method: clinical testing. Allele origin: germline. Affected: yes. Observed: 1 variant allele. Not counted in ClinVar's aggregate classification.